The following is an entry in ClinVar:

NM_000132.4(F8):c.4646A>C (p.Glu1549Ala)

Gene: F8 (coagulation factor VIII; minus strand). Cytogenetic location: Xq28.
Variant type: single nucleotide variant.
Coding change: c.4646A>C on transcript NM_000132.4 (MANE Select); coding-DNA position 4646, A replaced by C.
Protein change: p.Glu1549Ala; replaces glutamic acid 1549 with alanine.
Molecular consequence: missense variant.
Genome position (GRCh38, 1-based): chrX:154,929,144, T>G on the plus strand (A>C on the coding strand, the complement: F8 is on the minus strand). VCF-style: chrX-154929144-T-G. GRCh37 (hg19) VCF-style: chrX-154157419-T-G.
Other names: short protein forms E1549A.
Identifiers: ClinVar variation 4977222 (VCV004977222.1).

ClinVar aggregate classification (germline): Uncertain significance (1 of 4 stars; one submission).

Conditions:
F8-related disorder. Also called: F8-related condition.

gnomAD v4.1: 63 of 1,209,866 alleles (0.0052%); highest among the groups gnomAD compares: Non-Finnish European, 0.0066%; no homozygotes.

Submission:

PreventionGenetics, part of Exact Sciences
Classification: Uncertain significance for F8-related condition. Last evaluated: 2026-07-14. Review status: criteria provided, single submitter. Criteria: ACMG Guidelines, 2015. Collection method: clinical testing. Allele origin: germline.
Comment: The F8 c.4646A>C variant is predicted to result in the amino acid substitution p.Glu1549Ala. To our knowledge, this variant has not been reported in the literature. This variant is reported in 0.0061% of alleles in individuals of European (Non-Finnish) descent in gnomAD. At this time, the clinical significance of this variant is uncertain due to the absence of conclusive functional and genetic evidence.